The following is an entry in ClinVar:

ClinVar aggregate classification (germline): Pathogenic (1 of 4 stars; one submission).

Allele frequency attached by ClinVar (database versions not stated): gnomAD 0.00001.

Submission:

Labcorp Genetics (formerly Invitae), Labcorp
Classification: Pathogenic. Last evaluated: 2022-01-05. Review status: criteria provided, single submitter. Criteria: Invitae Variant Classification Sherloc (09022015). Collection method: clinical testing. Allele origin: germline.
Comment: For these reasons, this variant has been classified as Pathogenic. This variant has not been reported in the literature in individuals affected with VPS13A-related conditions. This variant is not present in population databases (gnomAD no frequency). This sequence change creates a premature translational stop signal (p.Trp1303*) in the VPS13A gene. It is expected to result in an absent or disrupted protein product. Loss-of-function variants in VPS13A are known to be pathogenic (PMID: 12404112, 21598378).

Literature cited by the submitters: PubMed 12404112; PubMed 21598378.

NM_033305.3(VPS13A):c.3909G>A (p.Trp1303Ter)

Gene: VPS13A (vacuolar protein sorting 13 homolog A; plus strand). Cytogenetic location: 9q21.2.
Variant type: single nucleotide variant.
Coding change: c.3909G>A on transcript NM_033305.3 (MANE Select); coding-DNA position 3909, G replaced by A.
Protein change: p.Trp1303Ter; replaces tryptophan 1303 with a stop codon.
Molecular consequence: nonsense.
Genome position (GRCh38, 1-based): chr9:77,303,011, G>A. VCF-style: chr9-77303011-G-A. GRCh37 (hg19) VCF-style: chr9-79917927-G-A.
Other names: c.3792G>A, p.Trp1264Ter (NM_001018037.2); c.3909G>A, p.Trp1303Ter (NM_001018038.3, NM_015186.4); short protein forms W1303*, W1264*.
Identifiers: ClinVar variation 2064491 (VCV002064491.4), dbSNP rs1828471609, ClinGen allele CA373852713.